The following is an entry in ClinVar:

ClinVar aggregate classification (germline): Uncertain significance. Review status: criteria provided, multiple submitters, no conflicts (2 of 4 stars). 2 submissions from 2 submitters: Uncertain significance (2). Last evaluated 2025-05-13.

Conditions:
Cardiovascular phenotype. Identifiers: MedGen CN230736.

Allele frequency attached by ClinVar (database versions not stated): gnomAD exomes below 0.00001.
gnomAD v4.1: 4 of 1,513,852 alleles (0.00026%); highest among the groups gnomAD compares: Non-Finnish European, 0.00035%; no homozygotes.

Submissions (2):

Women's Health and Genetics/Laboratory Corporation of America, LabCorp
Classification: Uncertain significance. Last evaluated: 2025-05-13. Review status: criteria provided, single submitter. Criteria: LabCorp Variant Classification Summary - May 2015. Collection method: clinical testing. Allele origin: germline.
Comment: Variant summary: ZNF469 c.5C>T (p.Pro2Leu) results in a non-conservative amino acid change in the encoded protein sequence. Algorithms developed to predict the effect of missense changes on protein structure and function are either unavailable or do not agree on the potential impact of this missense change. The variant allele was found at a frequency of 8.5e-06 in 117242 control chromosomes. The available data on variant occurrences in the general population are insufficient to allow any conclusion about variant significance. To our knowledge, no occurrence of c.5C>T in individuals affected with Brittle cornea syndrome 1 and no experimental evidence demonstrating its impact on protein function have been reported. ClinVar contains an entry for this variant (Variation ID: 1750988). Based on the evidence outlined above, the variant was classified as uncertain significance.

Ambry Genetics
Classification: Uncertain significance for Cardiovascular phenotype. Last evaluated: 2021-05-10. Review status: criteria provided, single submitter. Criteria: Ambry Variant Classification Scheme 2023. Collection method: clinical testing. Allele origin: germline.
Comment: The p.P2L variant (also known as c.5C>T), located in coding exon 1 of the ZNF469 gene, results from a C to T substitution at nucleotide position 5. The proline at codon 2 is replaced by leucine, an amino acid with similar properties. This amino acid position is well conserved in available vertebrate species; however, leucine is the reference amino acid in other vertebrate species. In addition, this alteration is predicted to be tolerated by in silico analysis. Since supporting evidence is limited at this time, the clinical significance of this alteration remains unclear.

NM_001367624.2(ZNF469):c.5C>T (p.Pro2Leu)

Gene: ZNF469 (zinc finger protein 469; plus strand). Cytogenetic location: 16q24.2.
Variant type: single nucleotide variant.
Coding change: c.5C>T on transcript NM_001367624.2 (MANE Select); coding-DNA position 5, C replaced by T.
Protein change: p.Pro2Leu; replaces proline 2 with leucine.
Molecular consequence: missense variant.
Genome position (GRCh38, 1-based): chr16:88,427,475, C>T. VCF-style: chr16-88427475-C-T. GRCh37 (hg19) VCF-style: chr16-88493883-C-T.
Other names: NM_001127464.1:c.5C>T; short protein forms P2L.
Identifiers: ClinVar variation 1750988 (VCV001750988.3), dbSNP rs1363888195, ClinGen allele CA397057148.
Genomic context (GRCh38, chr16:88,427,475, plus strand): 5'-CTCCCCAGGGCCCCCCTCGGACAGCTGCGTCGTCCTAGCGCCAGGACGGAGGGGCCATGC[C>T]TGGGGAGCGCCCCCGAGGAGCGCCGCCCCCCACCATGACTGGAGACCTGCAGCCCCGCCA-3'
Protein context (NP_001354553.1, residues 1-12): M[Pro2Leu]GERPRGAPPP